The following is an entry in ClinVar:

ClinVar aggregate classification (germline): Uncertain significance (1 of 4 stars; one submission).

Conditions:
Fanconi anemia complementation group Q. Identifiers: Orphanet 84, MedGen C3808988, MONDO:0014108, OMIM 615272.

Submission:

Baylor Genetics
Classification: Uncertain significance for Fanconi anemia complementation group Q. Last evaluated: 2018-12-17. Review status: criteria provided, single submitter. Criteria: ACMG Guidelines, 2015. Collection method: clinical testing. Allele origin: unknown. Affected: yes. Study: CSER-TexasKidsCanSeq.
Comment: This variant was determined to be of uncertain significance according to ACMG Guidelines, 2015 [PMID:25741868].

NM_005236.3(ERCC4):c.1765C>G (p.Arg589Gly)

Gene: ERCC4 (ERCC excision repair 4, endonuclease catalytic subunit; plus strand). Cytogenetic location: 16p13.12.
Variant type: single nucleotide variant.
Coding change: c.1765C>G on transcript NM_005236.3 (MANE Select); coding-DNA position 1765, C replaced by G.
Protein change: p.Arg589Gly; replaces arginine 589 with glycine.
Molecular consequence: missense variant.
Genome position (GRCh38, 1-based): chr16:13,935,697, C>G. VCF-style: chr16-13935697-C-G. GRCh37 (hg19) VCF-style: chr16-14029554-C-G.
Other names: short protein forms R589G.
Identifiers: ClinVar variation 998305 (VCV000998305.1), dbSNP rs147105770, ClinGen allele CA394812659.